The following is an entry in ClinVar:

NM_005739.4(RASGRP1):c.1709A>G (p.Tyr570Cys)

Gene: RASGRP1 (RAS guanyl releasing protein 1; minus strand). Cytogenetic location: 15q14.
Variant type: single nucleotide variant.
Coding change: c.1709A>G on transcript NM_005739.4 (MANE Select); coding-DNA position 1709, A replaced by G.
Protein change: p.Tyr570Cys; replaces tyrosine 570 with cysteine.
Molecular consequence: missense variant.
Genome position (GRCh38, 1-based): chr15:38,500,114, T>C on the plus strand (A>G on the coding strand, the complement: RASGRP1 is on the minus strand). VCF-style: chr15-38500114-T-C. GRCh37 (hg19) VCF-style: chr15-38792315-T-C.
Other names: c.1604A>G, p.Tyr535Cys (NM_001128602.2, NM_001306086.2); short protein forms Y535C, Y570C.
Identifiers: ClinVar variation 1484180 (VCV001484180.5), dbSNP rs1049857089, ClinGen allele CA268732937.
Genomic context (GRCh38, chr15:38,500,114, plus strand): 5'-TGAGAATGGACTGATACACCAGGAATATGTCAACAATATTGAGTCTTACCTTTACATCGA[T>C]ATCCTTGTTTGATCACTCCCCAGAGCTATGAAACAAGAGACAGAATGCACCACATGTCAT-3'
Protein context (NP_005730.2, residues 560-580): GFLWGVIKQG[Tyr570Cys]RCKDCGMNCH

ClinVar aggregate classification (germline): Uncertain significance (1 of 4 stars; one submission).

Allele frequency attached by ClinVar (database versions not stated): gnomAD exomes 0.00001; gnomAD 0.00002; TOPMed 0.00002.
gnomAD v4.1: 12 of 1,613,216 alleles (0.00074%); highest among the groups gnomAD compares: Non-Finnish European, 0.001%; no homozygotes.

Submission:

Labcorp Genetics (formerly Invitae), Labcorp
Classification: Uncertain significance. Last evaluated: 2021-09-01. Review status: criteria provided, single submitter. Criteria: Invitae Variant Classification Sherloc (09022015). Collection method: clinical testing. Allele origin: germline.
Comment: This sequence change replaces tyrosine with cysteine at codon 570 of the RASGRP1 protein (p.Tyr570Cys). The tyrosine residue is highly conserved and there is a large physicochemical difference between tyrosine and cysteine. This variant is not present in population databases (ExAC no frequency). This variant has not been reported in the literature in individuals affected with RASGRP1-related conditions. Algorithms developed to predict the effect of missense changes on protein structure and function are either unavailable or do not agree on the potential impact of this missense change (SIFT: "Deleterious"; PolyPhen-2: "Probably Damaging"; Align-GVGD: "Class C0"). In summary, the available evidence is currently insufficient to determine the role of this variant in disease. Therefore, it has been classified as a Variant of Uncertain Significance.